The following is an entry in ClinVar:

NM_024408.4(NOTCH2):c.272G>T (p.Arg91Leu)

Gene: NOTCH2 (notch receptor 2; minus strand). Cytogenetic location: 1p12.
Variant type: single nucleotide variant.
Coding change: c.272G>T on transcript NM_024408.4 (MANE Select); coding-DNA position 272, G replaced by T.
Protein change: p.Arg91Leu; replaces arginine 91 with leucine.
Molecular consequence: missense variant.
Genome position (GRCh38, 1-based): chr1:120,005,472, C>A on the plus strand (G>T on the coding strand, the complement: NOTCH2 is on the minus strand). VCF-style: chr1-120005472-C-A. GRCh37 (hg19) VCF-style: chr1-120548095-C-A.
Other names: c.272G>T, p.Arg91Leu (NM_001200001.2); short protein forms R91L.
Identifiers: ClinVar variation 801537 (VCV000801537.33), dbSNP rs143195893, ClinGen allele CA1040896.
Genomic context (GRCh38, chr1:120,005,472, plus strand): 5'-ACAAAGCATGGATGAGATGTTGAGTACTGGCAGTCCTCTCCTGTAAACCCTGAGGCACAT[C>A]GGCACGTGGCTTTCCCCAGCATGGCCTGGGCCACACAAGTCCCACCATTCTGGCAGCGGT-3'
Protein context (NP_077719.2, residues 81-101): AQAMLGKATC[Arg91Leu]CASGFTGEDC

ClinVar aggregate classification (germline): Benign/Likely benign. Review status: criteria provided, multiple submitters, no conflicts (2 of 4 stars). 8 submissions from 8 submitters: Benign (2); Likely benign (4). 2 of the submissions do not count toward it. Last evaluated 2026-07-01.

Conditions:
Hajdu-Cheney syndrome (HJCYS). Also called: ACROOSTEOLYSIS WITH OSTEOPOROSIS AND CHANGES IN SKULL AND MANDIBLE; Acroosteolysis dominant type; SERPENTINE FIBULA-POLYCYSTIC KIDNEY SYNDROME. Identifiers: Orphanet 955, MedGen C0917715, MONDO:0007057, OMIM 102500.

Allele frequency attached by ClinVar (database versions not stated): 1000 Genomes Project 0.00300; 1000 Genomes Project 30x 0.00344; TOPMed 0.00727; ESP Exome Variant Server 0.00800; gnomAD 0.00843 and 0.00899.
gnomAD v4.1: 16,165 of 1,613,742 alleles (1%); highest among the groups gnomAD compares: Non-Finnish European, 1.1%; 134 homozygotes.

Submissions (8):

CeGaT Center for Human Genetics Tuebingen
Classification: Benign. Last evaluated: 2026-07-01. Review status: criteria provided, single submitter. Criteria: CeGaT Center For Human Genetics Tuebingen Variant Classification Criteria Version 2. Collection method: clinical testing. Allele origin: germline. Affected: yes. Observed: 31 variant alleles.
Comment: NOTCH2: BP4, BS1, BS2

Blueprint Genetics
Classification: Likely benign. Last evaluated: 2024-11-22. Review status: criteria provided, single submitter. Criteria: ACMG Guidelines, 2015. Collection method: clinical testing. Allele origin: germline.

Labcorp Genetics (formerly Invitae), Labcorp
Classification: Benign for Hajdu-Cheney syndrome. Last evaluated: 2021-09-30. Review status: criteria provided, single submitter. Criteria: Invitae Variant Classification Sherloc (09022015). Collection method: clinical testing. Allele origin: germline.

Mendelics
Classification: Likely benign for Hajdu-Cheney syndrome. Last evaluated: 2019-05-28. Review status: criteria provided, single submitter. Criteria: Mendelics Assertion Criteria 2017. Collection method: clinical testing. Allele origin: unknown.

GeneDx
Classification: Likely benign. Last evaluated: 2018-07-14. Review status: criteria provided, single submitter. Criteria: GeneDx Variant Classification Process June 2021. Collection method: clinical testing. Allele origin: germline. Affected: yes.
Comment: This variant is associated with the following publications: (PMID: 30653986)

Breakthrough Genomics
Classification: Likely benign. Review status: criteria provided, single submitter. Criteria: ACMG Guidelines, 2015. Collection method: not provided. Allele origin: germline. Inheritance: Autosomal dominant inheritance. Affected: yes.

Genome Diagnostics Laboratory, University Medical Center Utrecht
Classification: Benign. Review status: no assertion criteria provided. Collection method: clinical testing. Allele origin: germline. Affected: yes. Study: VKGL Data-share Consensus. Not counted in ClinVar's aggregate classification.

Laboratory of Diagnostic Genome Analysis, Leiden University Medical Center (LUMC)
Classification: Likely benign. Review status: no assertion criteria provided. Collection method: clinical testing. Allele origin: germline. Affected: yes. Study: VKGL Data-share Consensus. Not counted in ClinVar's aggregate classification.